The following is an entry in ClinVar:

NC_000023.11:g.16897001_17560000del

Genes: MIR4768 (microRNA 4768; plus strand), NHS (NHS actin remodeling regulator; plus strand), NHS-AS1 (NHS antisense RNA 1; minus strand), REPS2 (RALBP1 associated Eps domain containing 2; plus strand), LOC101928389 (uncharacterized LOC101928389; plus strand) and 2 more. Cytogenetic location: Xp22.2-22.13.
Variant type: Deletion.
Identifiers: ClinVar variation 4796506 (VCV004796506.1).

ClinVar aggregate classification (germline): Likely pathogenic (1 of 4 stars; one submission).

Conditions:
Syndromic microphthalmia. Also called: Syndromic microphthalmia-anophthalmia-coloboma. Identifiers: Orphanet 202948, MedGen C5679782, MONDO:0016073.

Submission:

Genetics Department, University Hospital of Toulouse
Classification: Likely pathogenic for Syndromic microphthalmia. Last evaluated: 2025-10-05. Review status: criteria provided, single submitter. Criteria: ACMG/ClinGen CNV Guidelines, 2019. Collection method: clinical testing. Allele origin: paternal. Affected: yes.
Comment: The deletion contains NHS. It was classified as LP (1A, 2C-1, 3A, score 0,9) but considered as partly causal as phenotypes of the affected female.